The following is an entry in ClinVar:

NM_004817.4(TJP2):c.821G>A (p.Arg274His)

Gene: TJP2 (tight junction protein 2; plus strand). Cytogenetic location: 9q21.11.
Variant type: single nucleotide variant.
Coding change: c.821G>A on transcript NM_004817.4 (MANE Select); coding-DNA position 821, G replaced by A.
Protein change: p.Arg274His; replaces arginine 274 with histidine.
Molecular consequence: missense variant.
Genome position (GRCh38, 1-based): chr9:69,221,365, G>A. VCF-style: chr9-69221365-G-A. GRCh37 (hg19) VCF-style: chr9-71836281-G-A.
Other names: c.752G>A, p.Arg251His (NM_001170414.2, NM_001369870.1, NM_001369871.1); c.833G>A, p.Arg278His (NM_001170415.1, NM_001369874.1, NM_001369875.1); c.914G>A, p.Arg305His (NM_001170416.2); c.821G>A, p.Arg274His (NM_001369872.1, NM_001369873.1, NM_201629.3); short protein forms R251H, R274H, R278H, R305H.
Identifiers: ClinVar variation 1310907 (VCV001310907.5), dbSNP rs754080705, ClinGen allele CA5073106.

ClinVar aggregate classification (germline): Uncertain significance. Review status: criteria provided, multiple submitters, no conflicts (2 of 4 stars). 3 submissions from 3 submitters: Uncertain significance (3). Last evaluated 2023-07-25.

Conditions:
Inborn genetic diseases. Identifiers: MedGen C0950123, MeSH D030342.

Allele frequency attached by ClinVar (database versions not stated): gnomAD exomes 0.00001 and 0.00002.
gnomAD v4.1: 9 of 1,584,134 alleles (0.00057%); highest among the groups gnomAD compares: East Asian, 0.0046%; no homozygotes.

Submissions (3):

Blueprint Genetics
Classification: Uncertain significance. Last evaluated: 2023-07-25. Review status: criteria provided, single submitter. Criteria: ACMG Guidelines, 2015. Collection method: clinical testing. Allele origin: germline.

Ambry Genetics
Classification: Uncertain significance for Inborn genetic diseases. Last evaluated: 2023-02-07. Review status: criteria provided, single submitter. Criteria: Ambry Variant Classification Scheme 2023. Collection method: clinical testing. Allele origin: germline.

GeneDx
Classification: Uncertain significance. Last evaluated: 2019-12-09. Review status: criteria provided, single submitter. Criteria: GeneDx Variant Classification Process June 2021. Collection method: clinical testing. Allele origin: germline. Affected: yes.
Comment: In silico analysis, which includes protein predictors and evolutionary conservation, supports that this variant does not alter protein structure/function; Has not been previously published as pathogenic or benign to our knowledge